The following is an entry in ClinVar:

NM_001365951.3(KIF1B):c.1735G>A (p.Glu579Lys)

Gene: KIF1B (kinesin family member 1B; plus strand). Cytogenetic location: 1p36.22.
Variant type: single nucleotide variant.
Coding change: c.1735G>A on transcript NM_001365951.3 (MANE Select); coding-DNA position 1735, G replaced by A.
Protein change: p.Glu579Lys; replaces glutamic acid 579 with lysine.
Molecular consequence: missense variant.
Genome position (GRCh38, 1-based): chr1:10,295,724, G>A. VCF-style: chr1-10295724-G-A. GRCh37 (hg19) VCF-style: chr1-10355782-G-A.
Other names: c.1735G>A, p.Glu579Lys (NM_001365952.1); c.1597G>A, p.Glu533Lys (NM_001365953.1, NM_015074.3, NM_183416.4); short protein forms E579K, E533K.
Identifiers: ClinVar variation 1776029 (VCV001776029.2), dbSNP rs2521391002, ClinGen allele CA338315004.

ClinVar aggregate classification (germline): Uncertain significance (1 of 4 stars; one submission).

Submission:

Ambry Genetics
Classification: Uncertain significance. Last evaluated: 2022-06-11. Review status: criteria provided, single submitter. Criteria: Ambry Variant Classification Scheme 2023. Collection method: clinical testing. Allele origin: germline.
Comment: The p.E533K variant (also known as c.1597G>A), located in coding exon 16 of the KIF1B gene, results from a G to A substitution at nucleotide position 1597. The glutamic acid at codon 533 is replaced by lysine, an amino acid with similar properties. This amino acid position is conserved. In addition, this alteration is predicted to be deleterious by in silico analysis. Since supporting evidence is limited at this time, the clinical significance of this alteration remains unclear.